The following is an entry in ClinVar:

ClinVar aggregate classification (germline): Pathogenic (1 of 4 stars; one submission).

Submission:

Labcorp Genetics (formerly Invitae), Labcorp
Classification: Pathogenic. Last evaluated: 2023-04-06. Review status: criteria provided, single submitter. Criteria: Invitae Variant Classification Sherloc (09022015). Collection method: clinical testing. Allele origin: germline.
Comment: For these reasons, this variant has been classified as Pathogenic. This variant has not been reported in the literature in individuals affected with TRMU-related conditions. This variant is not present in population databases (gnomAD no frequency). This sequence change creates a premature translational stop signal (p.His112Leufs*5) in the TRMU gene. It is expected to result in an absent or disrupted protein product. Loss-of-function variants in TRMU are known to be pathogenic (PMID: 19732863, 23625533).

Literature cited by the submitters: PubMed 19732863; PubMed 23625533.

NM_018006.5(TRMU):c.335_336del (p.His112fs)

Gene: TRMU (tRNA mitochondrial 2-thiouridylase; plus strand). Cytogenetic location: 22q13.31.
Variant type: Deletion.
Coding change: c.335_336del on transcript NM_018006.5 (MANE Select); coding-DNA positions 335 to 336, 2 bases deleted (AT; older notation c.335_336delAT).
Protein change: p.His112fs; shifts the reading frame from histidine 112.
Molecular consequence: frameshift variant. On other transcripts: non-coding transcript variant (1), intron variant (3).
Genome position (GRCh38, 1-based): chr22:46,343,348-46,343,349, AT deleted. VCF-style (leftmost placement, unchanged base first): chr22-46343347-CAT-C. GRCh37 (hg19) VCF-style: chr22-46739244-CAT-C.
Other names: c.335_336delAT, p.His112Leufs (NM_001008568.2); c.335_336del, p.His112fs (NM_001282785.2); c.14-3074_14-3073del (NM_001282782.2); c.-6-3074_-6-3073del (NM_001282783.2, NM_001282784.2); short protein forms H112fs.
Identifiers: ClinVar variation 2852324 (VCV002852324.3), dbSNP rs2518150291, ClinGen allele CA2739268013.
Genomic context (GRCh38, chr22:46,343,347, plus strand): 5'-GGAAGGACTCCCAATCCTGACATAGTTTGCAACAAGCACATCAAATTTAGTTGCTTTTTT[CAT>C]TATGCTGTGGATAATCTTGGTAAGTAATTTGGGTTTAAAACATTTTTTTTTTTAAAGACA-3'